The following is an entry in ClinVar:

ClinVar aggregate classification (germline): Likely benign. Review status: criteria provided, multiple submitters, no conflicts (2 of 4 stars). 3 submissions from 3 submitters: Likely benign (3). Last evaluated 2018-09-04.

Conditions:
46,XY sex reversal 7. Also called: 46,XY GONADAL DYSGENESIS, PARTIAL OR COMPLETE, DHH-RELATED; DHH-Related 46,XY complete gonadal dysgenesis; GONADAL DYSGENESIS, XY, MALE-LIMITED; 46,XY SEX REVERSAL, PARTIAL OR COMPLETE, DHH-RELATED. Identifiers: Orphanet 242, MedGen C1856273, MONDO:0009301, OMIM 233420.

Allele frequency attached by ClinVar (database versions not stated): 1000 Genomes Project 0.01378; gnomAD 0.02094 and 0.02062; 1000 Genomes Project 30x 0.01405; TOPMed 0.01922; gnomAD exomes 0.02630.
gnomAD v4.1: 10,606 of 434,120 alleles (2.4%); highest among the groups gnomAD compares: Middle Eastern, 5.7%; 185 homozygotes.

Submissions (3):

GeneDx
Classification: Likely benign. Last evaluated: 2018-09-04. Review status: criteria provided, single submitter. Criteria: GeneDx Variant Classification Process June 2021. Collection method: clinical testing. Allele origin: germline. Affected: yes.

Illumina Laboratory Services, Illumina
Classification: Likely benign for 46,XY gonadal dysgenesis, complete, dhh-related. Last evaluated: 2018-01-13. Review status: criteria provided, single submitter. Criteria: ICSL Variant Classification Criteria 13 December 2019. Collection method: clinical testing. Allele origin: germline.
Comment: This variant was observed in the ICSL laboratory as part of a predisposition screen in an ostensibly healthy population. It had not been previously curated by ICSL or reported in the Human Gene Mutation Database (HGMD: prior to June 1st, 2018), and was therefore a candidate for classification through an automated scoring system. Utilizing variant allele frequency, disease prevalence and penetrance estimates, and inheritance mode, an automated score was calculated to assess if this variant is too frequent to cause the disease. Based on the score and internal cut-off values, a variant classified as likely benign is not then subjected to further curation. The score for this variant resulted in a classification of likely benign for this disease.

Breakthrough Genomics
Classification: Likely benign. Review status: criteria provided, single submitter. Criteria: ACMG Guidelines, 2015. Collection method: not provided. Allele origin: germline. Inheritance: Autosomal recessive inheritance. Affected: yes.

NM_021044.4(DHH):c.*219G>A

Gene: DHH (desert hedgehog signaling molecule; minus strand). Cytogenetic location: 12q13.12.
Variant type: single nucleotide variant.
Coding change: c.*219G>A on transcript NM_021044.4 (MANE Select); 219 bases downstream of the stop codon, G replaced by A.
Molecular consequence: 3 prime UTR variant.
Genome position (GRCh38, 1-based): chr12:49,089,640, C>T on the plus strand (G>A on the coding strand, the complement: DHH is on the minus strand). VCF-style: chr12-49089640-C-T. GRCh37 (hg19) VCF-style: chr12-49483423-C-T.
Identifiers: ClinVar variation 309094 (VCV000309094.9), dbSNP rs145466782, ClinGen allele CA10637670.
Genomic context (GRCh38, chr12:49,089,640, plus strand): 5'-ATAAGAAATAAAATAAAATTATCGGGTGGGGCTGAAGCACTGGGGGAGAGGCTAAATAGT[C>T]CTCTTTAAGGAGTGCGCACCATCAGCCCTACCTACCTAGGACCCGGTATCACCTCCTCTC-3'